The following is an entry in ClinVar:

NC_000005.10:g.112707379C>G

Gene: APC (APC regulator of Wnt signaling pathway; plus strand). Cytogenetic location: 5q22.2.
Variant type: single nucleotide variant.
Genome position: GRCh38 VCF-style: chr5-112707379-C-G. GRCh37 (hg19) VCF-style: chr5-112043076-C-G.
Identifiers: ClinVar variation 1064258 (VCV001064258.8), dbSNP rs2149628304, ClinGen allele CA2499217370.
Genomic context (GRCh38, chr5:112,707,379, plus strand): 5'-ACAATTCAGAGAAGGCCAGTAAGTGCTGCAACTGAGACTCGGCTGCCTAGGCAGCAATGG[C>G]TCACGGGACAGAACAGCGAAGCAGTGCCCGGCAAGCGGAGCGCAGCACCCATTGCGCCTG-3'

ClinVar aggregate classification (germline): Uncertain significance (1 of 4 stars; one submission).

Conditions:
Familial adenomatous polyposis 1 (FAP1). Also called: POLYPOSIS, ADENOMATOUS INTESTINAL; FAMILIAL ADENOMATOUS POLYPOSIS 1, ATTENUATED. Identifiers: MedGen C2713442, MONDO:0021056, OMIM 175100. Disease mechanism: loss of function.

Submission:

Labcorp Genetics (formerly Invitae), Labcorp
Classification: Uncertain significance for Familial adenomatous polyposis 1. Last evaluated: 2025-10-07. Review status: criteria provided, single submitter. Criteria: Invitae Variant Classification Sherloc (09022015). Collection method: clinical testing. Allele origin: germline.
Comment: This variant occurs in a non-coding region of the APC gene. It does not change the encoded amino acid sequence of the APC protein. This variant is not present in population databases (gnomAD no frequency). This variant has not been reported in the literature in individuals affected with APC-related conditions. Experimental studies and prediction algorithms are not available or were not evaluated, and the functional significance of this variant is currently unknown. In summary, the available evidence is currently insufficient to determine the role of this variant in disease. Therefore, it has been classified as a Variant of Uncertain Significance.